The following is an entry in ClinVar:

ClinVar aggregate classification (germline): Uncertain significance (1 of 4 stars; one submission).

Conditions:
DYRK1B-related disorder. Also called: DYRK1B-related condition.

Submission:

PreventionGenetics, part of Exact Sciences
Classification: Uncertain significance for DYRK1B-related condition. Last evaluated: 2025-01-06. Review status: criteria provided, single submitter. Criteria: ACMG Guidelines, 2015. Collection method: clinical testing. Allele origin: germline.
Comment: The DYRK1B c.1553G>A variant is predicted to result in the amino acid substitution p.Gly518Glu. To our knowledge, this variant has not been reported in the literature or in a large population database (gnomAD), indicating this variant is rare. At this time, the clinical significance of this variant is uncertain due to the absence of conclusive functional and genetic evidence.

NM_004714.3(DYRK1B):c.1553G>A (p.Gly518Glu)

Gene: DYRK1B (dual specificity tyrosine phosphorylation regulated kinase 1B; minus strand). Cytogenetic location: 19q13.2.
Variant type: single nucleotide variant.
Coding change: c.1553G>A on transcript NM_004714.3 (MANE Select); coding-DNA position 1553, G replaced by A.
Protein change: p.Gly518Glu; replaces glycine 518 with glutamic acid.
Molecular consequence: missense variant.
Genome position (GRCh38, 1-based): chr19:39,826,052, C>T on the plus strand (G>A on the coding strand, the complement: DYRK1B is on the minus strand). VCF-style: chr19-39826052-C-T. GRCh37 (hg19) VCF-style: chr19-40316692-C-T.
Other names: c.1433G>A, p.Gly478Glu (NM_006483.3); c.1469G>A, p.Gly490Glu (NM_006484.3); short protein forms G490E, G478E, G518E.
Identifiers: ClinVar variation 4978096 (VCV004978096.1).